The following is an entry in ClinVar:

NM_000168.6(GLI3):c.1A>G (p.Met1Val)

Gene: GLI3 (GLI family zinc finger 3; minus strand). Cytogenetic location: 7p14.1.
Variant type: single nucleotide variant.
Coding change: c.1A>G on transcript NM_000168.6 (MANE Select); coding-DNA position 1, A replaced by G.
Protein change: p.Met1Val; changes the start codon (methionine 1).
Molecular consequence: missense variant, initiator codon variant.
Genome position (GRCh38, 1-based): chr7:42,223,253, T>C on the plus strand (A>G on the coding strand, the complement: GLI3 is on the minus strand). VCF-style: chr7-42223253-T-C. GRCh37 (hg19) VCF-style: chr7-42262852-T-C.
Other names: short protein forms M1V.
Identifiers: ClinVar variation 4526532 (VCV004526532.1).

ClinVar aggregate classification (germline): Likely pathogenic (1 of 4 stars; one submission).

Conditions:
Pallister-Hall syndrome (PHS). Also called: HYPOTHALAMIC HAMARTOBLASTOMA, HYPOPITUITARISM, IMPERFORATE ANUS, AND POSTAXIAL POLYDACTYLY; GLI3-Related Pallister-Hall Syndrome. Identifiers: Orphanet 672, MedGen C0265220, MONDO:0007804, OMIM 146510.

Submission:

MVZ Medizinische Genetik Mainz
Classification: Likely pathogenic for Pallister-Hall syndrome. Last evaluated: 2022-10-10. Review status: criteria provided, single submitter. Criteria: UK Practice Guidelines For Variant Classification V4 01 2020. Collection method: clinical testing. Allele origin: germline. Inheritance: Autosomal dominant inheritance. Affected: yes. Observed: 1 variant allele.
Comment: ACMG Criteria: PVS1, PM2_SUP